The following is an entry in ClinVar:

NM_000440.3(PDE6A):c.2511C>T (p.Ala837=)

Gene: PDE6A (phosphodiesterase 6A; minus strand). Cytogenetic location: 5q32.
Variant type: single nucleotide variant.
Coding change: c.2511C>T on transcript NM_000440.3 (MANE Select); coding-DNA position 2511, C replaced by T.
Protein change: p.Ala837=; no amino-acid change (alanine 837 retained).
Molecular consequence: synonymous variant.
Genome position (GRCh38, 1-based): chr5:149,860,967, G>A on the plus strand (C>T on the coding strand, the complement: PDE6A is on the minus strand). VCF-style: chr5-149860967-G-A. GRCh37 (hg19) VCF-style: chr5-149240530-G-A.
Other names: c.2511C>T (NM_000440.2); c.2268C>T, p.Ala756= (NM_001410788.1).
Identifiers: ClinVar variation 1904183 (VCV001904183.7), dbSNP rs755796767, ClinGen allele CA3504248.
Genomic context (GRCh38, chr5:149,860,967, plus strand): 5'-GCAGGACTTGGATGTAGTTGCACCCCCTGGGCTGGGGTTTCCCCCCGGCTGATTTCCTGC[G>A]GCTGCTGCAATGAAACAGGAAAAAGAACACACCAGGTGACAAGAGGCTGCAGTGGGCTTC-3'
Protein context (NP_000431.2, residues 827-847): KQKQQSAKSA[Ala837=]AGNQPGGNPS

ClinVar aggregate classification (germline): Likely benign. Review status: criteria provided, multiple submitters, no conflicts (2 of 4 stars). 3 submissions from 3 submitters: Likely benign (3). Last evaluated 2024-12-06.

Conditions:
PDE6A-related disorder. Also called: PDE6A-related condition.

Allele frequency attached by ClinVar (database versions not stated): TOPMed 0.00003; gnomAD 0.00006; ExAC 0.00009.
gnomAD v4.1: 94 of 1,613,806 alleles (0.0058%); highest among the groups gnomAD compares: South Asian, 0.059%; 1 homozygote.

Submissions (3):

PreventionGenetics, part of Exact Sciences
Classification: Likely benign for PDE6A-related condition. Last evaluated: 2024-12-06. Review status: criteria provided, single submitter. Criteria: ACMG Guidelines, 2015. Collection method: clinical testing. Allele origin: germline.
Comment: This variant is classified as likely benign based on ACMG/AMP sequence variant interpretation guidelines (Richards et al. 2015 PMID: 25741868, with internal and published modifications).

Labcorp Genetics (formerly Invitae), Labcorp
Classification: Likely benign. Last evaluated: 2024-11-19. Review status: criteria provided, single submitter. Criteria: Invitae Variant Classification Sherloc (09022015). Collection method: clinical testing. Allele origin: germline.

Blueprint Genetics
Classification: Likely benign. Last evaluated: 2024-06-03. Review status: criteria provided, single submitter. Criteria: ACMG Guidelines, 2015. Collection method: clinical testing. Allele origin: germline.